The following is an entry in ClinVar:

NM_001372.4(DNAH9):c.679dup (p.Gln227fs)

Gene: DNAH9 (dynein axonemal heavy chain 9; plus strand). Cytogenetic location: 17p12.
Variant type: Duplication.
Coding change: c.679dup on transcript NM_001372.4 (MANE Select); coding-DNA position 679, one base duplicated (C; older notation c.679dupC).
Protein change: p.Gln227fs; shifts the reading frame from glutamine 227.
Molecular consequence: frameshift variant.
Genome position (GRCh38, 1-based): chr17:11,610,460, C duplicated; the last of 2 consecutive C bases (chr17:11,610,459-11,610,460); duplicating either gives the same sequence. VCF-style (leftmost placement, unchanged base first): chr17-11610458-A-AC. GRCh37 (hg19) VCF-style: chr17-11513775-A-AC.
Other names: short protein forms Q227fs.
Identifiers: ClinVar variation 3616115 (VCV003616115.2).

ClinVar aggregate classification (germline): Pathogenic (1 of 4 stars; one submission).

Submission:

Labcorp Genetics (formerly Invitae), Labcorp
Classification: Pathogenic. Last evaluated: 2024-07-24. Review status: criteria provided, single submitter. Criteria: Invitae Variant Classification Sherloc (09022015). Collection method: clinical testing. Allele origin: germline.
Comment: This sequence change creates a premature translational stop signal (p.Gln227Profs*23) in the DNAH9 gene. It is expected to result in an absent or disrupted protein product. Loss-of-function variants in DNAH9 are known to be pathogenic (PMID: 30471718). This variant is not present in population databases (gnomAD no frequency). This variant has not been reported in the literature in individuals affected with DNAH9-related conditions. For these reasons, this variant has been classified as Pathogenic.

Literature cited by the submitters: PubMed 30471718.